The following is an entry in ClinVar:

ClinVar aggregate classification (germline): Uncertain significance (1 of 4 stars; one submission).

gnomAD v4.1: 1 of 1,612,656 alleles (0.000062%); highest among the groups gnomAD compares: Non-Finnish European, 0.000085%; no homozygotes.

Submission:

GeneDx
Classification: Uncertain significance. Last evaluated: 2025-07-24. Review status: criteria provided, single submitter. Criteria: GeneDx Variant Classification Process June 2021. Collection method: clinical testing. Allele origin: germline. Affected: yes.
Comment: In silico analysis supports that this missense variant has a deleterious effect on protein structure/function; Has not been previously published as pathogenic or benign to our knowledge

NM_001020658.2(PUM1):c.1379A>G (p.Tyr460Cys)

Gene: PUM1 (pumilio RNA binding family member 1; minus strand). Cytogenetic location: 1p35.2.
Variant type: single nucleotide variant.
Coding change: c.1379A>G on transcript NM_001020658.2 (MANE Select); coding-DNA position 1379, A replaced by G.
Protein change: p.Tyr460Cys; replaces tyrosine 460 with cysteine.
Molecular consequence: missense variant.
Genome position (GRCh38, 1-based): chr1:30,974,778, T>C on the plus strand (A>G on the coding strand, the complement: PUM1 is on the minus strand). VCF-style: chr1-30974778-T-C. GRCh37 (hg19) VCF-style: chr1-31447625-T-C.
Other names: c.1379A>G, p.Tyr460Cys (NM_014676.3); short protein forms Y460C.
Identifiers: ClinVar variation 4687052 (VCV004687052.1).
Genomic context (GRCh38, chr1:30,974,778, plus strand): 5'-GCGGCAGCTTGCTGCTGGAAAAGACTGGCAGGGTAGACTCCCCAGGGAGTAACTCCATAA[T>C]ACTGGTGAGGGACCACAGCTGGGCCTAAAAATAGCAAAAGAAAGGTAAAGAAAGTCTGAA-3'
Protein context (NP_001018494.1, residues 450-470): TLGPAVVPHQ[Tyr460Cys]YGVTPWGVYP